The following is an entry in ClinVar:

ClinVar aggregate classification (germline): Uncertain significance (1 of 4 stars; one submission).

Conditions:
Familial hemophagocytic lymphohistiocytosis 4 (FHL4). Also called: STX11-Related Familial Hemophagocytic Lymphohistiocytosis (STX11-fHLH). Identifiers: Orphanet 540, MedGen C1863728, MONDO:0011336, OMIM 603552.

Submission:

Labcorp Genetics (formerly Invitae), Labcorp
Classification: Uncertain significance for Familial hemophagocytic lymphohistiocytosis 4. Last evaluated: 2023-09-25. Review status: criteria provided, single submitter. Criteria: Invitae Variant Classification Sherloc (09022015). Collection method: clinical testing. Allele origin: germline.
Comment: This variant has not been reported in the literature in individuals affected with STX11-related conditions. In summary, the available evidence is currently insufficient to determine the role of this variant in disease. Therefore, it has been classified as a Variant of Uncertain Significance. Advanced modeling of protein sequence and biophysical properties (such as structural, functional, and spatial information, amino acid conservation, physicochemical variation, residue mobility, and thermodynamic stability) performed at Invitae indicates that this missense variant is expected to disrupt STX11 protein function. This variant is not present in population databases (gnomAD no frequency). This sequence change replaces arginine, which is basic and polar, with tryptophan, which is neutral and slightly polar, at codon 96 of the STX11 protein (p.Arg96Trp).

NM_003764.4(STX11):c.286C>T (p.Arg96Trp)

Gene: STX11 (syntaxin 11; plus strand). Cytogenetic location: 6q24.2.
Variant type: single nucleotide variant.
Coding change: c.286C>T on transcript NM_003764.4 (MANE Select); coding-DNA position 286, C replaced by T.
Protein change: p.Arg96Trp; replaces arginine 96 with tryptophan.
Molecular consequence: missense variant.
Genome position (GRCh38, 1-based): chr6:144,186,913, C>T. VCF-style: chr6-144186913-C-T. GRCh37 (hg19) VCF-style: chr6-144508050-C-T.
Other names: short protein forms R96W.
Identifiers: ClinVar variation 2805143 (VCV002805143.3), dbSNP rs1442336181, ClinGen allele CA365948919.